The following is an entry in ClinVar:

ClinVar aggregate classification (germline): Uncertain significance. Review status: criteria provided, multiple submitters, no conflicts (2 of 4 stars). 2 submissions from 2 submitters: Uncertain significance (2). Last evaluated 2025-03-26.

Conditions:
Inborn genetic diseases. Identifiers: MedGen C0950123, MeSH D030342.
Fanconi anemia (FA). Also called: Fanconi's anemia. Identifiers: Orphanet 84, MedGen C0015625, MeSH D005199, MONDO:0019391.

Allele frequency attached by ClinVar (database versions not stated): gnomAD 0.00001.
gnomAD v4.1: 3 of 1,614,048 alleles (0.00019%); highest among the groups gnomAD compares: Non-Finnish European, 0.00025%; no homozygotes.

Submissions (2):

Ambry Genetics
Classification: Uncertain significance for Inborn genetic diseases. Last evaluated: 2025-03-26. Review status: criteria provided, single submitter. Criteria: Ambry Variant Classification Scheme 2023. Collection method: clinical testing. Allele origin: germline.
Comment: The p.A101S variant (also known as c.301G>T), located in coding exon 1 of the FANCM gene, results from a G to T substitution at nucleotide position 301. The alanine at codon 101 is replaced by serine, an amino acid with similar properties. This amino acid position is conserved. In addition, this alteration is predicted to be tolerated by in silico analysis. Based on the available evidence, the clinical significance of this variant remains unclear.

Labcorp Genetics (formerly Invitae), Labcorp
Classification: Uncertain significance for Fanconi anemia. Last evaluated: 2023-11-08. Review status: criteria provided, single submitter. Criteria: Invitae Variant Classification Sherloc (09022015). Collection method: clinical testing. Allele origin: germline.
Comment: This sequence change replaces alanine, which is neutral and non-polar, with serine, which is neutral and polar, at codon 101 of the FANCM protein (p.Ala101Ser). This variant is present in population databases (no rsID available, gnomAD 0.007%). This variant has not been reported in the literature in individuals affected with FANCM-related conditions. An algorithm developed to predict the effect of missense changes on protein structure and function (PolyPhen-2) suggests that this variant is likely to be tolerated. In summary, the available evidence is currently insufficient to determine the role of this variant in disease. Therefore, it has been classified as a Variant of Uncertain Significance.

NM_020937.4(FANCM):c.301G>T (p.Ala101Ser)

Gene: FANCM (FA complementation group M; plus strand). Cytogenetic location: 14q21.2.
Variant type: single nucleotide variant.
Coding change: c.301G>T on transcript NM_020937.4 (MANE Select); coding-DNA position 301, G replaced by T.
Protein change: p.Ala101Ser; replaces alanine 101 with serine.
Molecular consequence: missense variant.
Genome position (GRCh38, 1-based): chr14:45,136,332, G>T. VCF-style: chr14-45136332-G-T. GRCh37 (hg19) VCF-style: chr14-45605535-G-T.
Other names: c.301G>T, p.Ala101Ser (NM_001308133.2, NM_001308134.2); short protein forms A101S.
Identifiers: ClinVar variation 2889928 (VCV002889928.4), dbSNP rs939426175, ClinGen allele CA259602414.
Genomic context (GRCh38, chr14:45,136,332, plus strand): 5'-GCCCTGTGGATTTACCCTACCAATTGCCCAGTGCGGGACTACCAGCTGCACATTTCCCGG[G>T]CTGCTCTGTTTTGCAATACGCTGGTGTGTCTGCCTACCGGACTGGGAAAGACCTTTATTG-3'
Protein context (NP_065988.1, residues 91-111): VRDYQLHISR[Ala101Ser]ALFCNTLVCL